The following is an entry in ClinVar:

ClinVar aggregate classification (germline): Pathogenic (1 of 4 stars; one submission).

Allele frequency attached by ClinVar (database versions not stated): gnomAD exomes below 0.00001.

Submission:

Labcorp Genetics (formerly Invitae), Labcorp
Classification: Pathogenic. Last evaluated: 2022-12-15. Review status: criteria provided, single submitter. Criteria: Invitae Variant Classification Sherloc (09022015). Collection method: clinical testing. Allele origin: germline.
Comment: This sequence change creates a premature translational stop signal (p.His208Glnfs*123) in the HPS1 gene. It is expected to result in an absent or disrupted protein product. Loss-of-function variants in HPS1 are known to be pathogenic (PMID: 12442288, 16185271). This variant is not present in population databases (gnomAD no frequency). This variant has not been reported in the literature in individuals affected with HPS1-related conditions. For these reasons, this variant has been classified as Pathogenic.

Literature cited by the submitters: PubMed 12442288; PubMed 16185271.

NM_000195.5(HPS1):c.624del (p.His208fs)

Gene: HPS1 (HPS1 biogenesis of lysosomal organelles complex 3 subunit 1; minus strand). Cytogenetic location: 10q24.2.
Variant type: Deletion.
Coding change: c.624del on transcript NM_000195.5 (MANE Select); coding-DNA position 624, one base deleted (T; older notation c.624delT).
Protein change: p.His208fs; shifts the reading frame from histidine 208.
Molecular consequence: frameshift variant. On other transcripts: 5 prime UTR variant (3), intron variant (5).
Genome position (GRCh38, 1-based): chr10:98,431,175, A deleted on the plus strand (T on the coding strand, the reverse complement: HPS1 is on the minus strand). VCF-style (leftmost placement, unchanged base first): chr10-98431174-CA-C. GRCh37 (hg19) VCF-style: chr10-100190931-CA-C.
Other names: c.-250del (NM_001311345.2, NM_001322489.2); c.624del, p.His208fs (NM_001322476.2, NM_001322477.2, NM_001322478.2 and 3 more transcripts); c.255del, p.His85fs (NM_001322483.2, NM_001322484.2, NM_001322485.2); c.-349del (NM_001322487.2); c.408-505del (NM_001322480.2, NM_001322482.2, NM_001322481.2); c.551-505del (NM_001322492.2, NM_001322490.2); short protein forms H85fs, H208fs.
Identifiers: ClinVar variation 2817598 (VCV002817598.3), dbSNP rs2538931345, ClinGen allele CA2610462043.
Genomic context (GRCh38, chr10:98,431,174, plus strand): 5'-CCAGACCTTGAGCTCACCTAGAGTAGAATGCCAGCAGCTTGGAGTGCACGAGCAGGAAGG[CA>C]TGCAGGGCCTCCTCGCCTCCCCGCTCGGGGCTGGTGTTGACAGCCTGGATGACGTGCCGC-3'